The following is an entry in ClinVar:

ClinVar aggregate classification (germline): Uncertain significance (1 of 4 stars; one submission).

gnomAD v4.1: 6 of 1,195,816 alleles (0.0005%); highest among the groups gnomAD compares: Middle Eastern, 0.092%; no homozygotes.

Submission:

Labcorp Genetics (formerly Invitae), Labcorp
Classification: Uncertain significance. Last evaluated: 2026-01-02. Review status: criteria provided, single submitter. Criteria: Invitae Variant Classification Sherloc (09022015). Collection method: clinical testing. Allele origin: germline.
Comment: This sequence change replaces isoleucine, which is neutral and non-polar, with valine, which is neutral and non-polar, at codon 1242 of the CACNA1F protein (p.Ile1242Val). This variant is not present in population databases (gnomAD no frequency). This variant has not been reported in the literature in individuals affected with CACNA1F-related conditions. Invitae Evidence Modeling of protein sequence and biophysical properties (such as structural, functional, and spatial information, amino acid conservation, physicochemical variation, residue mobility, and thermodynamic stability) indicates that this missense variant is not expected to disrupt CACNA1F protein function with a negative predictive value of 80%. In summary, the available evidence is currently insufficient to determine the role of this variant in disease. Therefore, it has been classified as a Variant of Uncertain Significance.

NM_001256789.3(CACNA1F):c.3691A>G (p.Ile1231Val)

Gene: CACNA1F (calcium voltage-gated channel subunit alpha1 F; minus strand). Cytogenetic location: Xp11.23.
Variant type: single nucleotide variant.
Coding change: c.3691A>G on transcript NM_001256789.3 (MANE Select); coding-DNA position 3691, A replaced by G.
Protein change: p.Ile1231Val; replaces isoleucine 1231 with valine.
Molecular consequence: missense variant.
Genome position (GRCh38, 1-based): chrX:49,214,176, T>C on the plus strand (A>G on the coding strand, the complement: CACNA1F is on the minus strand). VCF-style: chrX-49214176-T-C. GRCh37 (hg19) VCF-style: chrX-49070636-T-C.
Other names: c.3529A>G, p.Ile1177Val (NM_001256790.3); c.3724A>G, p.Ile1242Val (NM_005183.4); short protein forms I1177V, I1231V, I1242V.
Identifiers: ClinVar variation 4775416 (VCV004775416.1).